The following is an entry in ClinVar:

ClinVar aggregate classification (germline): Uncertain significance. Review status: criteria provided, multiple submitters, no conflicts (2 of 4 stars). 2 submissions from 2 submitters: Uncertain significance (2). Last evaluated 2023-10-18.

Conditions:
Episodic ataxia type 2 (EA2). Also called: ACETAZOLAMIDE-RESPONSIVE HEREDITARY PAROXYSMAL CEREBELLAR ATAXIA; ATAXIA, EPISODIC, WITH NYSTAGMUS; ATAXIA, FAMILIAL PAROXYSMAL; CEREBELLAR ATAXIA, PAROXYSMAL, ACETAZOLAMIDE-RESPONSIVE; CEREBELLOPATHY, HEREDITARY PAROXYSMAL; EPISODIC ATAXIA, NYSTAGMUS-ASSOCIATED. Identifiers: Orphanet 97, MedGen C1720416, MONDO:0007163, OMIM 108500.
Developmental and epileptic encephalopathy, 42 (DEE42A). Also called: DEVELOPMENTAL AND EPILEPTIC ENCEPHALOPATHY 42A; EPILEPTIC ENCEPHALOPATHY, EARLY INFANTILE, 42A; Epileptic encephalopathy, early infantile, 42. Identifiers: MedGen C4310716, MONDO:0014917, OMIM 617106.

Allele frequency attached by ClinVar (database versions not stated): gnomAD 0.00001.

Submissions (2):

Labcorp Genetics (formerly Invitae), Labcorp
Classification: Uncertain significance for Developmental and epileptic encephalopathy, 42; Episodic ataxia type 2. Last evaluated: 2023-10-18. Review status: criteria provided, single submitter. Criteria: Invitae Variant Classification Sherloc (09022015). Collection method: clinical testing. Allele origin: germline.
Comment: This sequence change replaces alanine, which is neutral and non-polar, with threonine, which is neutral and polar, at codon 720 of the CACNA1A protein (p.Ala720Thr). This variant is not present in population databases (gnomAD no frequency). This variant has not been reported in the literature in individuals affected with CACNA1A-related conditions. ClinVar contains an entry for this variant (Variation ID: 1675226). Advanced modeling of protein sequence and biophysical properties (such as structural, functional, and spatial information, amino acid conservation, physicochemical variation, residue mobility, and thermodynamic stability) performed at Invitae indicates that this missense variant is expected to disrupt CACNA1A protein function. In summary, the available evidence is currently insufficient to determine the role of this variant in disease. Therefore, it has been classified as a Variant of Uncertain Significance.

GeneDx
Classification: Uncertain significance. Last evaluated: 2022-03-14. Review status: criteria provided, single submitter. Criteria: GeneDx Variant Classification Process June 2021. Collection method: clinical testing. Allele origin: germline. Affected: yes.
Comment: Not observed at significant frequency in large population cohorts (gnomAD); In silico analysis supports that this missense variant has a deleterious effect on protein structure/function; Has not been previously published as pathogenic or benign to our knowledge

NM_001127222.2(CACNA1A):c.2155G>A (p.Ala719Thr)

Gene: CACNA1A (calcium voltage-gated channel subunit alpha1 A; minus strand). Cytogenetic location: 19p13.13.
Variant type: single nucleotide variant.
Coding change: c.2155G>A on transcript NM_001127222.2 (MANE Select); coding-DNA position 2155, G replaced by A.
Protein change: p.Ala719Thr; replaces alanine 719 with threonine.
Molecular consequence: missense variant.
Genome position (GRCh38, 1-based): chr19:13,303,563, C>T on the plus strand (G>A on the coding strand, the complement: CACNA1A is on the minus strand). VCF-style: chr19-13303563-C-T. GRCh37 (hg19) VCF-style: chr19-13414377-C-T.
Other names: c.2158G>A, p.Ala720Thr (NM_000068.4, NM_001127221.2, NM_001174080.2 and 1 more transcripts); short protein forms A719T, A720T.
Identifiers: ClinVar variation 1675226 (VCV001675226.5), dbSNP rs1201483107, ClinGen allele CA404344136.
Genomic context (GRCh38, chr19:13,303,563, plus strand): 5'-AGGTGGTAACTTTGCCAGAGAAACATTCTCCCACCGCCTCCACCTTGGTGAGCTCCTGGG[C>T]GTTGGCCAGATTGTCCACAGCGATGGCCAAGAACACATTCAGGAGGGTGTCTGCAAATGT-3'
Protein context (NP_001120694.1, residues 709-729): LAIAVDNLAN[Ala719Thr]QELTKDEQEE